The following is an entry in ClinVar:

ClinVar aggregate classification (germline): Uncertain significance (1 of 4 stars; one submission).

Submission:

Labcorp Genetics (formerly Invitae), Labcorp
Classification: Uncertain significance. Last evaluated: 2022-07-27. Review status: criteria provided, single submitter. Criteria: Invitae Variant Classification Sherloc (09022015). Collection method: clinical testing. Allele origin: germline.
Comment: In summary, the available evidence is currently insufficient to determine the role of this variant in disease. Therefore, it has been classified as a Variant of Uncertain Significance. Algorithms developed to predict the effect of missense changes on protein structure and function (SIFT, PolyPhen-2, Align-GVGD) all suggest that this variant is likely to be disruptive. This variant has not been reported in the literature in individuals affected with PLOD2-related conditions. This variant is not present in population databases (gnomAD no frequency). This sequence change replaces isoleucine, which is neutral and non-polar, with asparagine, which is neutral and polar, at codon 170 of the PLOD2 protein (p.Ile170Asn).

NM_182943.3(PLOD2):c.509T>A (p.Ile170Asn)

Gene: PLOD2 (procollagen-lysine,2-oxoglutarate 5-dioxygenase 2; minus strand). Cytogenetic location: 3q24.
Variant type: single nucleotide variant.
Coding change: c.509T>A on transcript NM_182943.3 (MANE Select); coding-DNA position 509, T replaced by A.
Protein change: p.Ile170Asn; replaces isoleucine 170 with asparagine.
Molecular consequence: missense variant.
Genome position (GRCh38, 1-based): chr3:146,106,638, A>T on the plus strand (T>A on the coding strand, the complement: PLOD2 is on the minus strand). VCF-style: chr3-146106638-A-T. GRCh37 (hg19) VCF-style: chr3-145824425-A-T.
Other names: c.509T>A, p.Ile170Asn (NM_000935.3); short protein forms I170N.
Identifiers: ClinVar variation 1714016 (VCV001714016.5), dbSNP rs2473318527, ClinGen allele CA354895093.